The following is an entry in ClinVar:

NM_006035.4(CDC42BPB):c.3769G>A (p.Gly1257Ser)

Genes: CDC42BPB (CDC42 binding protein kinase beta; minus strand), LOC126862066 (CDK7 strongly-dependent group 2 enhancer GRCh37_chr14:103411482-103412681; plus strand). Cytogenetic location: 14q32.32.
Variant type: single nucleotide variant.
Coding change: c.3769G>A on transcript NM_006035.4 (MANE Select); coding-DNA position 3769, G replaced by A.
Protein change: p.Gly1257Ser; replaces glycine 1257 with serine.
Molecular consequence: missense variant.
Genome position (GRCh38, 1-based): chr14:102,945,704, C>T on the plus strand (G>A on the coding strand, the complement: CDC42BPB is on the minus strand). VCF-style: chr14-102945704-C-T. GRCh37 (hg19) VCF-style: chr14-103412041-C-T.
Other names: c.3691G>A, p.Gly1231Ser (NM_001411054.1); short protein forms G1231S, G1257S.
Identifiers: ClinVar variation 2663669 (VCV002663669.1), dbSNP rs1203790110, ClinGen allele CA391077559.
Genomic context (GRCh38, chr14:102,945,704, plus strand): 5'-AACGCCCTGCTCACTCACCATCTCGGGTGACCTCTATGACATAGAGCCCTTCTTCTAGGC[C>T]GACTGCAATCCTGTCTGCATCTGTGGAGGGGTAAGTAACATACACAAAGTCAGTACAGCC-3'
Protein context (NP_006026.3, residues 1247-1267): AIVDADRIAV[Gly1257Ser]LEEGLYVIEV

ClinVar aggregate classification (germline): Uncertain significance (1 of 4 stars; one submission).

Allele frequency attached by ClinVar (database versions not stated): gnomAD exomes below 0.00001; TOPMed 0.00001.
gnomAD v4.1: 2 of 1,612,892 alleles (0.00012%); highest among the groups gnomAD compares: Non-Finnish European, 0.00017%; no homozygotes.

Submission:

GeneDx
Classification: Uncertain significance. Last evaluated: 2023-04-27. Review status: criteria provided, single submitter. Criteria: GeneDx Variant Classification Process June 2021. Collection method: clinical testing. Allele origin: germline. Affected: yes.
Comment: Not observed at significant frequency in large population cohorts (gnomAD); In silico analysis supports that this missense variant has a deleterious effect on protein structure/function; Has not been previously published as pathogenic or benign to our knowledge